The following is an entry in ClinVar:

ClinVar aggregate classification (germline): Uncertain significance. Review status: criteria provided, multiple submitters, no conflicts (2 of 4 stars). 2 submissions from 2 submitters: Uncertain significance (2). Last evaluated 2026-07-20.

Conditions:
Mosaic variegated aneuploidy syndrome 2 (MVA2). Identifiers: Orphanet 1052, MedGen C3279843, MONDO:0013582, OMIM 614114.
Inborn genetic diseases. Identifiers: MedGen C0950123, MeSH D030342.

Submissions (2):

Ambry Genetics
Classification: Uncertain significance for Inborn genetic diseases. Last evaluated: 2026-07-20. Review status: criteria provided, single submitter. Criteria: Ambry Variant Classification Scheme 2023. Collection method: clinical testing. Allele origin: germline.
Comment: The p.E431Q variant (also known as c.1291G>C), located in coding exon 11 of the CEP57 gene, results from a G to C substitution at nucleotide position 1291. The glutamic acid at codon 431 is replaced by glutamine, an amino acid with highly similar properties. This amino acid position is conserved. In addition, this alteration is predicted to be tolerated by in silico analysis. Based on the available evidence, the clinical significance of this variant remains unclear.

Labcorp Genetics (formerly Invitae), Labcorp
Classification: Uncertain significance for Mosaic variegated aneuploidy syndrome 2. Last evaluated: 2025-07-03. Review status: criteria provided, single submitter. Criteria: Invitae Variant Classification Sherloc (09022015). Collection method: clinical testing. Allele origin: germline.
Comment: This sequence change replaces glutamic acid, which is acidic and polar, with glutamine, which is neutral and polar, at codon 431 of the CEP57 protein (p.Glu431Gln). This variant is not present in population databases (gnomAD no frequency). This variant has not been reported in the literature in individuals affected with CEP57-related conditions. Invitae Evidence Modeling of protein sequence and biophysical properties (such as structural, functional, and spatial information, amino acid conservation, physicochemical variation, residue mobility, and thermodynamic stability) indicates that this missense variant is not expected to disrupt CEP57 protein function with a negative predictive value of 80%. In summary, the available evidence is currently insufficient to determine the role of this variant in disease. Therefore, it has been classified as a Variant of Uncertain Significance.

NM_014679.5(CEP57):c.1291G>C (p.Glu431Gln)

Gene: CEP57 (centrosomal protein 57; plus strand). Cytogenetic location: 11q21.
Variant type: single nucleotide variant.
Coding change: c.1291G>C on transcript NM_014679.5 (MANE Select); coding-DNA position 1291, G replaced by C.
Protein change: p.Glu431Gln; replaces glutamic acid 431 with glutamine.
Molecular consequence: missense variant.
Genome position (GRCh38, 1-based): chr11:95,831,044, G>C. VCF-style: chr11-95831044-G-C. GRCh37 (hg19) VCF-style: chr11-95564208-G-C.
Other names: c.1093G>C, p.Glu365Gln (NM_001440878.1, NM_001440877.1); c.1066G>C, p.Glu356Gln (NM_001440879.1); c.1030G>C, p.Glu344Gln (NM_001440880.1); c.994G>C, p.Glu332Gln (NM_001440881.1); c.988G>C, p.Glu330Gln (NM_001440882.1); c.1264G>C, p.Glu422Gln (NM_001243776.2); c.1213G>C, p.Glu405Gln (NM_001243777.2); c.1210G>C, p.Glu404Gln (NM_001363604.2, NM_001440869.1, NM_001440870.1); and 7 more; short protein forms E330Q, E366Q, E371Q, E368Q, E369Q, E405Q, E356Q, E365Q.
Identifiers: ClinVar variation 4753213 (VCV004753213.2).